The following is an entry in ClinVar:

NM_007294.4(BRCA1):c.386G>A (p.Gly129Asp)

Gene: BRCA1 (BRCA1 DNA repair associated; minus strand). Cytogenetic location: 17q21.31.
Variant type: single nucleotide variant.
Coding change: c.386G>A on transcript NM_007294.4 (MANE Select); coding-DNA position 386, G replaced by A.
Protein change: p.Gly129Asp; replaces glycine 129 with aspartic acid.
Molecular consequence: missense variant. On other transcripts: non-coding transcript variant (1).
Genome position (GRCh38, 1-based): chr17:43,104,177, C>T on the plus strand (G>A on the coding strand, the complement: BRCA1 is on the minus strand). VCF-style: chr17-43104177-C-T. GRCh37 (hg19) VCF-style: chr17-41256194-C-T.
Other names: c.176G>A, p.Gly59Asp (NM_001407885.1, NM_001407886.1, NM_001408506.1 and 58 more transcripts); c.245G>A, p.Gly82Asp (NM_001408500.1, NM_001408501.1, NM_001408504.1 and 99 more transcripts); c.386G>A, p.Gly129Asp (NM_007300.4, NM_007304.2, NM_001407616.1 and 165 more transcripts); c.377G>A, p.Gly126Asp (NM_001407646.1, NM_001407647.1, NM_001408408.1); c.308G>A, p.Gly103Asp (NM_001407653.1, NM_001407654.1, NM_001407655.1 and 21 more transcripts); c.5G>A, p.Gly2Asp (NM_001407959.1, NM_001407960.1, NM_001407962.1 and 4 more transcripts); c.254G>A, p.Gly85Asp (NM_001408451.1); short protein forms G129D, G59D, G85D, G126D, G2D, G82D, G103D.
Identifiers: ClinVar variation 1735682 (VCV001735682.2), dbSNP rs764231119, ClinGen allele CA10601368.

ClinVar aggregate classification (germline): Uncertain significance (1 of 4 stars; one submission).

Conditions:
Hereditary cancer-predisposing syndrome. Also called: Neoplastic Syndromes, Hereditary; Tumor predisposition; Hereditary Cancer Syndrome; Hereditary neoplastic syndrome. Identifiers: Orphanet 140162, MedGen C0027672, MeSH D009386, MONDO:0015356.

Submission:

Ambry Genetics
Classification: Uncertain significance for Hereditary cancer-predisposing syndrome. Last evaluated: 2017-07-27. Review status: criteria provided, single submitter. Criteria: Ambry Variant Classification Scheme 2023. Collection method: clinical testing. Allele origin: germline.
Comment: The p.G129D variant (also known as c.386G>A), located in coding exon 5 of the BRCA1 gene, results from a G to A substitution at nucleotide position 386. The glycine at codon 129 is replaced by aspartic acid, an amino acid with similar properties. This amino acid position is highly conserved in available vertebrate species. In addition, this alteration is predicted to be deleterious by in silico analysis. Since supporting evidence is limited at this time, the clinical significance of this alteration remains unclear.